The following is an entry in ClinVar:

NM_020442.6(VARS2):c.423G>A (p.Met141Ile)

Gene: VARS2 (valyl-tRNA synthetase 2, mitochondrial; plus strand). Cytogenetic location: 6p21.33.
Variant type: single nucleotide variant.
Coding change: c.423G>A on transcript NM_020442.6 (MANE Select); coding-DNA position 423, G replaced by A.
Protein change: p.Met141Ile; replaces methionine 141 with isoleucine.
Molecular consequence: missense variant. On other transcripts: initiator codon variant (1).
Genome position (GRCh38, 1-based): chr6:30,915,784, G>A. VCF-style: chr6-30915784-G-A. GRCh37 (hg19) VCF-style: chr6-30883561-G-A.
Other names: c.3G>A (NM_001167733.2); c.3G>A, p.Met1Ile (NM_001167733.3); c.513G>A, p.Met171Ile (NM_001167734.2); short protein forms M141I, M171I, M1I.
Identifiers: ClinVar variation 425368 (VCV000425368.56), dbSNP rs141408930, ClinGen allele CA3705587.
Genomic context (GRCh38, chr6:30,915,784, plus strand): 5'-TTGACTTTTTTTCTTCCTCTAGGCCCGGCTGCCCCAAGCTACAGGGGAGACCTTTTCCAT[G>A]TGTATCCCACCTCCCAATGTCACTGGCTCCCTGCACATTGGCCACGCACTCACGGTGGCC-3'
Protein context (NP_065175.4, residues 131-151): LPQATGETFS[Met141Ile]CIPPPNVTGS

ClinVar aggregate classification (germline): Benign/Likely benign. Review status: criteria provided, multiple submitters, no conflicts (2 of 4 stars). 7 submissions from 7 submitters: Benign (2); Likely benign (3). 2 of the submissions do not count toward it. Last evaluated 2026-07-01.

Conditions:
Inborn genetic diseases. Identifiers: MedGen C0950123, MeSH D030342.
VARS2-related disorder. Also called: VARS2-related condition; VARS2-related disorders.

Allele frequency attached by ClinVar (database versions not stated): gnomAD exomes 0.00427 and 0.00448; ExAC 0.00437; 1000 Genomes Project 30x 0.00453; 1000 Genomes Project 0.00499; ESP Exome Variant Server 0.00533; gnomAD 0.00540 and 0.00569; TOPMed 0.00584.

Submissions (7):

CeGaT Center for Human Genetics Tuebingen
Classification: Likely benign. Last evaluated: 2026-07-01. Review status: criteria provided, single submitter. Criteria: CeGaT Center For Human Genetics Tuebingen Variant Classification Criteria Version 2. Collection method: clinical testing. Allele origin: germline. Affected: yes. Observed: 23 variant alleles.
Comment: VARS2: BS2

Labcorp Genetics (formerly Invitae), Labcorp
Classification: Benign. Last evaluated: 2026-01-26. Review status: criteria provided, single submitter. Criteria: Invitae Variant Classification Sherloc (09022015). Collection method: clinical testing. Allele origin: germline.

Ambry Genetics
Classification: Likely benign for Inborn genetic diseases. Last evaluated: 2021-09-16. Review status: criteria provided, single submitter. Criteria: Ambry Variant Classification Scheme 2023. Collection method: clinical testing. Allele origin: germline.

GeneDx
Classification: Benign. Last evaluated: 2020-08-07. Review status: criteria provided, single submitter. Criteria: GeneDx Variant Classification Process June 2021. Collection method: clinical testing. Allele origin: germline. Affected: yes.

Breakthrough Genomics
Classification: Likely benign. Review status: criteria provided, single submitter. Criteria: ACMG Guidelines, 2015. Collection method: not provided. Allele origin: germline. Inheritance: Autosomal recessive inheritance. Affected: yes.

PreventionGenetics, part of Exact Sciences
Classification: Likely benign for VARS2-related condition. Last evaluated: 2023-07-30. Review status: no assertion criteria provided. Collection method: clinical testing. Allele origin: germline. Not counted in ClinVar's aggregate classification.
Comment: This variant is classified as likely benign based on ACMG/AMP sequence variant interpretation guidelines (Richards et al. 2015 PMID: 25741868, with internal and published modifications).

Mayo Clinic Laboratories, Mayo Clinic
Classification: Likely benign. Last evaluated: 2016-03-08. Review status: no assertion criteria provided. Collection method: clinical testing. Allele origin: unknown. Not counted in ClinVar's aggregate classification.